The following is an entry in ClinVar:

NM_001271.4(CHD2):c.443+261C>T

Gene: CHD2 (chromodomain helicase DNA binding protein 2; plus strand). Cytogenetic location: 15q26.1.
Variant type: single nucleotide variant.
Coding change: c.443+261C>T on transcript NM_001271.4 (MANE Select); 261 bases into the intron after coding-DNA position 443, C replaced by T.
Molecular consequence: intron variant.
Genome position (GRCh38, 1-based): chr15:92,929,352, C>T. VCF-style: chr15-92929352-C-T. GRCh37 (hg19) VCF-style: chr15-93472582-C-T.
Other names: c.443+261C>T (NM_001042572.3).
Identifiers: ClinVar variation 668075 (VCV000668075.1), dbSNP rs12915072, ClinGen allele CA14125102.

ClinVar aggregate classification (germline): Benign (1 of 4 stars; one submission).

Allele frequency attached by ClinVar (database versions not stated): 1000 Genomes Project 0.08686; 1000 Genomes Project 30x 0.08760; gnomAD 0.16192 and 0.16704; TOPMed 0.16584.
gnomAD v4.1: 24,922 of 152,000 alleles (16%); highest among the groups gnomAD compares: Non-Finnish European, 25%; 2,826 homozygotes.

Submission:

GeneDx
Classification: Benign. Last evaluated: 2018-06-18. Review status: criteria provided, single submitter. Criteria: GeneDx Variant Classification (06012015). Collection method: clinical testing. Allele origin: germline. Affected: yes.
Comment: This variant is considered likely benign or benign based on one or more of the following criteria: it is a conservative change, it occurs at a poorly conserved position in the protein, it is predicted to be benign by multiple in silico algorithms, and/or has population frequency not consistent with disease.